The following is an entry in ClinVar:

NM_001278293.3(ARL6):c.373A>G (p.Ile125Val)

Gene: ARL6 (ARF like GTPase 6; plus strand). Cytogenetic location: 3q11.2.
Variant type: single nucleotide variant.
Coding change: c.373A>G on transcript NM_001278293.3 (MANE Select); coding-DNA position 373, A replaced by G.
Protein change: p.Ile125Val; replaces isoleucine 125 with valine.
Molecular consequence: missense variant. On other transcripts: non-coding transcript variant (7).
Genome position (GRCh38, 1-based): chr3:97,788,013, A>G. VCF-style: chr3-97788013-A-G. GRCh37 (hg19) VCF-style: chr3-97506857-A-G.
Other names: c.373A>G, p.Ile125Val (NM_001323513.2, NM_001323514.2, NM_032146.5 and 1 more transcripts); short protein forms I125V.
Identifiers: ClinVar variation 3947179 (VCV003947179.3).

ClinVar aggregate classification (germline): Uncertain significance. Review status: criteria provided, multiple submitters, no conflicts (2 of 4 stars). 3 submissions from 3 submitters: Uncertain significance (3). Last evaluated 2026-05-11.

Conditions:
ARL6-related disorder. Also called: ARL6-related condition.
Inborn genetic diseases. Identifiers: MedGen C0950123, MeSH D030342.

Submissions (3):

PreventionGenetics, part of Exact Sciences
Classification: Uncertain significance for ARL6-related condition. Last evaluated: 2026-05-11. Review status: criteria provided, single submitter. Criteria: ACMG Guidelines, 2015. Collection method: clinical testing. Allele origin: germline.
Comment: The ARL6 c.373A>G variant is predicted to result in the amino acid substitution p.Ile125Val. To our knowledge, this variant has not been reported in the literature. This variant is reported in 0.0062% of alleles in individuals of African descent in gnomAD. At this time, the clinical significance of this variant is uncertain due to the absence of conclusive functional and genetic evidence.

Ambry Genetics
Classification: Uncertain significance for Inborn genetic diseases. Last evaluated: 2025-04-01. Review status: criteria provided, single submitter. Criteria: Ambry Variant Classification Scheme 2023. Collection method: clinical testing. Allele origin: germline.

Blueprint Genetics
Classification: Uncertain significance. Last evaluated: 2023-04-04. Review status: criteria provided, single submitter. Criteria: ACMG Guidelines, 2015. Collection method: clinical testing. Allele origin: germline.